The following is an entry in ClinVar:

ClinVar aggregate classification (germline): Uncertain significance. Review status: criteria provided, multiple submitters, no conflicts (2 of 4 stars). 2 submissions from 2 submitters: Uncertain significance (2). Last evaluated 2024-07-08.

Conditions:
Rhabdoid tumor predisposition syndrome 2 (RTPS2). Identifiers: Orphanet 231108, Orphanet 69077, MedGen C2750074, MONDO:0013224, OMIM 613325.
Hereditary cancer-predisposing syndrome. Also called: Neoplastic Syndromes, Hereditary; Tumor predisposition; Hereditary neoplastic syndrome; Hereditary Cancer Syndrome. Identifiers: Orphanet 140162, MedGen C0027672, MeSH D009386, MONDO:0015356.

Allele frequency attached by ClinVar (database versions not stated): gnomAD exomes below 0.00001; ExAC 0.00001.

Submissions (2):

Labcorp Genetics (formerly Invitae), Labcorp
Classification: Uncertain significance for Rhabdoid tumor predisposition syndrome 2. Last evaluated: 2024-07-08. Review status: criteria provided, single submitter. Criteria: Invitae Variant Classification Sherloc (09022015). Collection method: clinical testing. Allele origin: germline.
Comment: This sequence change replaces proline, which is neutral and non-polar, with leucine, which is neutral and non-polar, at codon 258 of the SMARCA4 protein (p.Pro258Leu). This variant is present in population databases (rs756531500, gnomAD 0.0009%). This variant has not been reported in the literature in individuals affected with SMARCA4-related conditions. ClinVar contains an entry for this variant (Variation ID: 827232). Advanced modeling of protein sequence and biophysical properties (such as structural, functional, and spatial information, amino acid conservation, physicochemical variation, residue mobility, and thermodynamic stability) has been performed at Invitae for this missense variant, however the output from this modeling did not meet the statistical confidence thresholds required to predict the impact of this variant on SMARCA4 protein function. In summary, the available evidence is currently insufficient to determine the role of this variant in disease. Therefore, it has been classified as a Variant of Uncertain Significance.

Ambry Genetics
Classification: Uncertain significance for Hereditary cancer-predisposing syndrome. Last evaluated: 2019-12-23. Review status: criteria provided, single submitter. Criteria: Ambry Variant Classification Scheme 2023. Collection method: clinical testing. Allele origin: germline.
Comment: The p.P258L variant (also known as c.773C>T), located in coding exon 4 of the SMARCA4 gene, results from a C to T substitution at nucleotide position 773. The proline at codon 258 is replaced by leucine, an amino acid with similar properties. This amino acid position is highly conserved in available vertebrate species. In addition, the in silico prediction for this alteration is inconclusive. Since supporting evidence is limited at this time, the clinical significance of this alteration remains unclear.

NM_003072.5(SMARCA4):c.773C>T (p.Pro258Leu)

Gene: SMARCA4 (SWI/SNF related BAF chromatin remodeling complex subunit ATPase 4; plus strand). Cytogenetic location: 19p13.2.
Variant type: single nucleotide variant.
Coding change: c.773C>T on transcript NM_003072.5 (MANE Select); coding-DNA position 773, C replaced by T.
Protein change: p.Pro258Leu; replaces proline 258 with leucine.
Molecular consequence: missense variant. On other transcripts: non-coding transcript variant (1).
Genome position (GRCh38, 1-based): chr19:10,986,917, C>T. VCF-style: chr19-10986917-C-T. GRCh37 (hg19) VCF-style: chr19-11097593-C-T.
Other names: c.773C>T, p.Pro258Leu (NM_001128844.3, NM_001128845.2, NM_001128846.2 and 4 more transcripts); short protein forms P258L.
Identifiers: ClinVar variation 827232 (VCV000827232.6), dbSNP rs756531500, ClinGen allele CA9203575.